The following is an entry in ClinVar:

ClinVar aggregate classification (germline): Uncertain significance (1 of 4 stars; one submission).

Conditions:
DICER1-related tumor predisposition. Also called: DICER1-related pleuropulmonary blastoma cancer predisposition syndrome; DICER1 syndrome. Identifiers: Orphanet 284343, MedGen C3839822, MONDO:0100216.

Allele frequency attached by ClinVar (database versions not stated): gnomAD exomes below 0.00001.
gnomAD v4.1: 1 of 1,612,374 alleles (0.000062%); highest among the groups gnomAD compares: South Asian, 0.0011%; no homozygotes.

Submission:

Labcorp Genetics (formerly Invitae), Labcorp
Classification: Uncertain significance for DICER1-related tumor predisposition. Last evaluated: 2023-10-19. Review status: criteria provided, single submitter. Criteria: Invitae Variant Classification Sherloc (09022015). Collection method: clinical testing. Allele origin: germline.
Comment: This sequence change replaces aspartic acid, which is acidic and polar, with glutamic acid, which is acidic and polar, at codon 1421 of the DICER1 protein (p.Asp1421Glu). This variant is present in population databases (no rsID available, gnomAD 0.003%). This variant has not been reported in the literature in individuals affected with DICER1-related conditions. ClinVar contains an entry for this variant (Variation ID: 1432130). Algorithms developed to predict the effect of missense changes on protein structure and function output the following: SIFT: "Not Available"; PolyPhen-2: "Benign"; Align-GVGD: "Not Available". The glutamic acid amino acid residue is found in multiple mammalian species, which suggests that this missense change does not adversely affect protein function. In summary, the available evidence is currently insufficient to determine the role of this variant in disease. Therefore, it has been classified as a Variant of Uncertain Significance.

NM_177438.3(DICER1):c.4263T>A (p.Asp1421Glu)

Gene: DICER1 (dicer 1, ribonuclease III; minus strand). Cytogenetic location: 14q32.13.
Variant type: single nucleotide variant.
Coding change: c.4263T>A on transcript NM_177438.3 (MANE Select); coding-DNA position 4263, T replaced by A.
Protein change: p.Asp1421Glu; replaces aspartic acid 1421 with glutamic acid.
Molecular consequence: missense variant.
Genome position (GRCh38, 1-based): chr14:95,096,657, A>T on the plus strand (T>A on the coding strand, the complement: DICER1 is on the minus strand). VCF-style: chr14-95096657-A-T. GRCh37 (hg19) VCF-style: chr14-95562994-A-T.
Other names: c.4263T>A, p.Asp1421Glu (NM_001195573.1, NM_001271282.3, NM_001291628.2 and 1 more transcripts); short protein forms D1421E.
Identifiers: ClinVar variation 1432130 (VCV001432130.7), dbSNP rs1219156713, ClinGen allele CA390869642.